The following is an entry in ClinVar:

NM_001039591.3(USP9X):c.1694G>A (p.Trp565Ter)

Gene: USP9X (ubiquitin specific peptidase 9 X-linked; plus strand). Cytogenetic location: Xp11.4.
Variant type: single nucleotide variant.
Coding change: c.1694G>A on transcript NM_001039591.3 (MANE Select); coding-DNA position 1694, G replaced by A.
Protein change: p.Trp565Ter; replaces tryptophan 565 with a stop codon.
Molecular consequence: nonsense.
Genome position (GRCh38, 1-based): chrX:41,150,988, G>A. VCF-style: chrX-41150988-G-A. GRCh37 (hg19) VCF-style: chrX-41010241-G-A.
Other names: NC_000023.10:g.41010241G>A; c.1694G>A, p.Trp565Ter (NM_001039590.3, NM_001410748.1, NM_001410749.1 and 1 more transcripts); short protein forms W565*.
Identifiers: ClinVar variation 4488739 (VCV004488739.3).

ClinVar aggregate classification (germline): Likely pathogenic (1 of 4 stars; one submission).

Conditions:
Intellectual developmental disorder, X-linked 99, syndromic, female-restricted. Also called: Intellectual disability, X-linked 99, syndromic, female-restricted. Identifiers: MedGen C4225416, MONDO:0010502, OMIM 300968.

Submissions (2):

Dasa
Classification: Likely pathogenic for Intellectual developmental disorder, X-linked 99, syndromic, female-restricted. Last evaluated: 2025-10-21. Review status: criteria provided, single submitter. Criteria: DASA Assertion Criteria. Collection method: clinical testing. Allele origin: germline.
Comment: NM_001039591.3(USP9X):c.1694G>A (p.Trp565*) is a nonsense variant in USP9X predicted to introduce a premature termination codon and is predicted to result in an absent or altered protein product. Loss of function is an established disease mechanism for USP9X (PMID: 26833328; PMID: 24607389; PMID: 28377321). Also, this variant is absent from population databases. Based on the currently available evidence, this variant is classified as likely pathogenic.

Dr. Peter K. Rogan Lab, Western University
No classification provided (evidence only). Condition: Nonpapillary renal cell carcinoma. Review status: no classification provided. Collection method: in vitro. Allele origin: not applicable. Functional consequence: retained intron. Not counted in ClinVar's aggregate classification.

Literature cited by the submitters: PubMed 26833328 (cited by Dasa); PubMed 24607389 (cited by Dasa); PubMed 28377321 (cited by Dasa).